The following is an entry in ClinVar:

NM_016247.4(IMPG2):c.2560C>G (p.Gln854Glu)

Gene: IMPG2 (interphotoreceptor matrix proteoglycan 2; minus strand). Cytogenetic location: 3q12.3.
Variant type: single nucleotide variant.
Coding change: c.2560C>G on transcript NM_016247.4 (MANE Select); coding-DNA position 2560, C replaced by G.
Protein change: p.Gln854Glu; replaces glutamine 854 with glutamic acid.
Molecular consequence: missense variant.
Genome position (GRCh38, 1-based): chr3:101,243,771, G>C on the plus strand (C>G on the coding strand, the complement: IMPG2 is on the minus strand). VCF-style: chr3-101243771-G-C. GRCh37 (hg19) VCF-style: chr3-100962615-G-C.
Other names: short protein forms Q854E.
Identifiers: ClinVar variation 954438 (VCV000954438.9), dbSNP rs1706436727, ClinGen allele CA353856639.

ClinVar aggregate classification (germline): Uncertain significance (1 of 4 stars; one submission).

gnomAD v4.1: 2 of 1,613,860 alleles (0.00012%); highest among the groups gnomAD compares: Non-Finnish European, 0.00017%; no homozygotes.

Submission:

Labcorp Genetics (formerly Invitae), Labcorp
Classification: Uncertain significance. Last evaluated: 2020-01-22. Review status: criteria provided, single submitter. Criteria: Invitae Variant Classification Sherloc (09022015). Collection method: clinical testing. Allele origin: germline.
Comment: Algorithms developed to predict the effect of missense changes on protein structure and function are either unavailable or do not agree on the potential impact of this missense change (SIFT: "Deleterious"; PolyPhen-2: "Benign"; Align-GVGD: "Class C0"). This sequence change replaces glutamine with glutamic acid at codon 854 of the IMPG2 protein (p.Gln854Glu). The glutamine residue is weakly conserved and there is a small physicochemical difference between glutamine and glutamic acid. This variant is not present in population databases (ExAC no frequency). This variant has not been reported in the literature in individuals with IMPG2-related conditions. In summary, the available evidence is currently insufficient to determine the role of this variant in disease. Therefore, it has been classified as a Variant of Uncertain Significance.